The following is an entry in ClinVar:

NM_130837.3(OPA1):c.1150-1G>C

Gene: OPA1 (OPA1 mitochondrial dynamin like GTPase; plus strand). Cytogenetic location: 3q29.
Variant type: single nucleotide variant.
Coding change: c.1150-1G>C on transcript NM_130837.3 (MANE Select); the canonical splice acceptor site of the intron before coding-DNA position 1150, G replaced by C.
Molecular consequence: splice acceptor variant.
Genome position (GRCh38, 1-based): chr3:193,642,764, G>C. VCF-style: chr3-193642764-G-C. GRCh37 (hg19) VCF-style: chr3-193360553-G-C.
Other names: c.613-1G>C (NM_001354664.2); c.616-1G>C (NM_001354663.2); c.1039-1G>C (NM_130834.3); c.1096-1G>C (NM_130836.3); c.985-1G>C (NM_015560.3); c.1042-1G>C (NM_130835.3); c.931-1G>C (NM_130832.3); c.988-1G>C (NM_130833.3); and 1 more.
Identifiers: ClinVar variation 4084965 (VCV004084965.8).

ClinVar aggregate classification (germline): Likely pathogenic (1 of 4 stars; one submission).

Submission:

CeGaT Center for Human Genetics Tuebingen
Classification: Likely pathogenic. Last evaluated: 2025-08-01. Review status: criteria provided, single submitter. Criteria: CeGaT Center For Human Genetics Tuebingen Variant Classification Criteria Version 2. Collection method: clinical testing. Allele origin: germline. Affected: yes. Observed: 1 variant allele.
Comment: OPA1: PVS1:Strong, PM2, PS1:Supporting, PS4:Supporting